The following is an entry in ClinVar:

NM_000127.3(EXT1):c.1401C>G (p.Tyr467Ter)

Gene: EXT1 (exostosin glycosyltransferase 1; minus strand). Cytogenetic location: 8q24.11.
Variant type: single nucleotide variant.
Coding change: c.1401C>G on transcript NM_000127.3 (MANE Select); coding-DNA position 1401, C replaced by G.
Protein change: p.Tyr467Ter; replaces tyrosine 467 with a stop codon.
Molecular consequence: nonsense.
Genome position (GRCh38, 1-based): chr8:117,822,481, G>C on the plus strand (C>G on the coding strand, the complement: EXT1 is on the minus strand). VCF-style: chr8-117822481-G-C. GRCh37 (hg19) VCF-style: chr8-118834720-G-C.
Other names: short protein forms Y467*.
Identifiers: ClinVar variation 946333 (VCV000946333.8), dbSNP rs1811940928, ClinGen allele CA371887142.

ClinVar aggregate classification (germline): Pathogenic (1 of 4 stars; one submission).

Conditions:
Multiple congenital exostosis (EXT). Also called: Hereditary multiple osteochondromas; Multiple osteochondromas; Multiple exostoses; MULTIPLE CARTILAGINOUS EXOSTOSES; Hereditary multiple exostoses; Hereditary multiple exostosis. Identifiers: Orphanet 321, MedGen C0015306, MONDO:0005508, HP:0002762.

Submission:

Labcorp Genetics (formerly Invitae), Labcorp
Classification: Pathogenic for Multiple congenital exostosis. Last evaluated: 2024-02-03. Review status: criteria provided, single submitter. Criteria: Invitae Variant Classification Sherloc (09022015). Collection method: clinical testing. Allele origin: germline.
Comment: This sequence change creates a premature translational stop signal (p.Tyr467*) in the EXT1 gene. It is expected to result in an absent or disrupted protein product. Loss-of-function variants in EXT1 are known to be pathogenic (PMID: 10679937, 11391482, 19810120). This variant is not present in population databases (gnomAD no frequency). This premature translational stop signal has been observed in individual(s) with EXT1-related conditions (Invitae). ClinVar contains an entry for this variant (Variation ID: 946333). For these reasons, this variant has been classified as Pathogenic.

Literature cited by the submitters: PubMed 10679937; PubMed 11391482; PubMed 19810120.